The following is an entry in ClinVar:

ClinVar aggregate classification (germline): Uncertain significance (1 of 4 stars; one submission).

Allele frequency attached by ClinVar (database versions not stated): ExAC 0.00012; gnomAD exomes 0.00003; gnomAD 0.00025; TOPMed 0.00020; 1000 Genomes Project 30x 0.00016; 1000 Genomes Project 0.00020; ESP Exome Variant Server 0.00062.
gnomAD v4.1: 88 of 1,614,164 alleles (0.0055%); highest among the groups gnomAD compares: African/African-American, 0.052%; no homozygotes.

Submission:

Labcorp Genetics (formerly Invitae), Labcorp
Classification: Uncertain significance. Last evaluated: 2025-12-06. Review status: criteria provided, single submitter. Criteria: Invitae Variant Classification Sherloc (09022015). Collection method: clinical testing. Allele origin: germline.
Comment: This sequence change replaces arginine, which is basic and polar, with histidine, which is basic and polar, at codon 1378 of the CAMTA1 protein (p.Arg1378His). This variant is present in population databases (rs142194570, gnomAD 0.05%), and has an allele count higher than expected for a pathogenic variant. This variant has not been reported in the literature in individuals affected with CAMTA1-related conditions. ClinVar contains an entry for this variant (Variation ID: 2903324). Invitae Evidence Modeling of protein sequence and biophysical properties (such as structural, functional, and spatial information, amino acid conservation, physicochemical variation, residue mobility, and thermodynamic stability) indicates that this missense variant is not expected to disrupt CAMTA1 protein function with a negative predictive value of 80%. In summary, the available evidence is currently insufficient to determine the role of this variant in disease. Therefore, it has been classified as a Variant of Uncertain Significance.

NM_015215.4(CAMTA1):c.4133G>A (p.Arg1378His)

Genes: CAMTA1 (calmodulin binding transcription activator 1; plus strand), LOC126805603 (CDK7 strongly-dependent group 2 enhancer GRCh37_chr1:7798026-7799225; plus strand). Cytogenetic location: 1p36.23.
Variant type: single nucleotide variant.
Coding change: c.4133G>A on transcript NM_015215.4 (MANE Select); coding-DNA position 4133, G replaced by A.
Protein change: p.Arg1378His; replaces arginine 1378 with histidine.
Molecular consequence: missense variant.
Genome position (GRCh38, 1-based): chr1:7,738,433, G>A. VCF-style: chr1-7738433-G-A. GRCh37 (hg19) VCF-style: chr1-7798493-G-A.
Other names: c.4043G>A, p.Arg1348His (NM_001349608.2); c.3794G>A, p.Arg1265His (NM_001349609.2, NM_001349610.2, NM_001410737.1); c.3704G>A, p.Arg1235His (NM_001349612.2); c.1262G>A, p.Arg421His (NM_001349613.1); c.1205G>A, p.Arg402His (NM_001349614.1, NM_001349615.2, NM_001349616.2 and 2 more transcripts); c.866G>A, p.Arg289His (NM_001349625.2, NM_001349626.2, NM_001349619.2 and 5 more transcripts); c.3722G>A, p.Arg1241His (NM_001410738.1); short protein forms R1241H, R1265H, R1378H, R1235H, R402H, R421H, R1348H, R289H.
Identifiers: ClinVar variation 2903324 (VCV002903324.3), dbSNP rs142194570, ClinGen allele CA567072.